The following is an entry in ClinVar:

ClinVar aggregate classification (germline): Benign. Review status: criteria provided, multiple submitters, no conflicts (2 of 4 stars). 3 submissions from 3 submitters: Benign (2). 1 of the submissions does not count toward it. Last evaluated 2021-06-09.

Conditions:
NLRP14-related disorder. Also called: NLRP14-related condition.

Allele frequency attached by ClinVar (database versions not stated): ESP Exome Variant Server 0.95506; TOPMed 0.95571; 1000 Genomes Project 30x 0.95690; gnomAD 0.95835 and 0.96101; 1000 Genomes Project 0.95927; ExAC 0.98637; gnomAD exomes 0.98819 and 0.99511.
gnomAD v4.1: 1,600,861 of 1,614,244 alleles (99%); highest among the groups gnomAD compares: East Asian, 100%; 794,384 homozygotes.

Submissions (3):

GeneDx
Classification: Benign. Last evaluated: 2021-06-09. Review status: criteria provided, single submitter. Criteria: GeneDx Variant Classification Process June 2021. Collection method: clinical testing. Allele origin: germline. Affected: yes.

Breakthrough Genomics
Classification: Benign. Review status: criteria provided, single submitter. Criteria: ACMG Guidelines, 2015. Collection method: not provided. Allele origin: germline. Inheritance: Unknown mechanism. Affected: yes.

PreventionGenetics, part of Exact Sciences
Classification: Benign for NLRP14-related condition. Last evaluated: 2019-10-24. Review status: no assertion criteria provided. Collection method: clinical testing. Allele origin: germline. Not counted in ClinVar's aggregate classification.
Comment: This variant is classified as benign based on ACMG/AMP sequence variant interpretation guidelines (Richards et al. 2015 PMID: 25741868, with internal and published modifications).

NM_176822.4(NLRP14):c.498C>T (p.Phe166=)

Gene: NLRP14 (NLR family pyrin domain containing 14; plus strand). Cytogenetic location: 11p15.4.
Variant type: single nucleotide variant.
Coding change: c.498C>T on transcript NM_176822.4 (MANE Select); coding-DNA position 498, C replaced by T.
Protein change: p.Phe166=; no amino-acid change (phenylalanine 166 retained).
Molecular consequence: synonymous variant.
Genome position (GRCh38, 1-based): chr11:7,042,524, C>T. VCF-style: chr11-7042524-C-T. GRCh37 (hg19) VCF-style: chr11-7063755-C-T.
Identifiers: ClinVar variation 1281086 (VCV001281086.4), dbSNP rs7123944, ClinGen allele CA5864597.